The following is an entry in ClinVar:

NM_004171.4(SLC1A2):c.1003A>G (p.Ile335Val)

Gene: SLC1A2 (solute carrier family 1 member 2; minus strand). Cytogenetic location: 11p13.
Variant type: single nucleotide variant.
Coding change: c.1003A>G on transcript NM_004171.4 (MANE Select); coding-DNA position 1003, A replaced by G.
Protein change: p.Ile335Val; replaces isoleucine 335 with valine.
Molecular consequence: missense variant.
Genome position (GRCh38, 1-based): chr11:35,292,375, T>C on the plus strand (A>G on the coding strand, the complement: SLC1A2 is on the minus strand). VCF-style: chr11-35292375-T-C. GRCh37 (hg19) VCF-style: chr11-35313922-T-C.
Other names: c.976A>G, p.Ile326Val (NM_001195728.3, NM_001252652.2); short protein forms I335V, I326V.
Identifiers: ClinVar variation 2585143 (VCV002585143.1), dbSNP rs2497773540, ClinGen allele CA380124819.
Genomic context (GRCh38, chr11:35,292,375, plus strand): 5'-AAGCTTGGAAAATGCCAGCAAAAAAGGAGAAGGGGTTTTTCCTGGTCACTACAAAGTAAA[T>C]CAAGGGGAGAAAGATGCCCCCGTGGATGATGAGGCCTATGATCACTGTTACCATGTACAT-3'
Protein context (NP_004162.2, residues 325-345): IIHGGIFLPL[Ile335Val]YFVVTRKNPF

ClinVar aggregate classification (germline): Uncertain significance (1 of 4 stars; one submission).

Conditions:
Developmental and epileptic encephalopathy, 41 (DEE41). Also called: Epileptic encephalopathy, early infantile, 41. Identifiers: MedGen C4310717, MONDO:0014916, OMIM 617105.

Allele frequency attached by ClinVar (database versions not stated): gnomAD exomes below 0.00001.
gnomAD v4.1: 1 of 1,613,968 alleles (0.000062%); highest among the groups gnomAD compares: Non-Finnish European, 0.000085%; no homozygotes.

Submission:

Neuberg Centre For Genomic Medicine, NCGM
Classification: Uncertain significance for Developmental and epileptic encephalopathy, 41. Review status: criteria provided, single submitter. Criteria: ACMG Guidelines, 2015. Collection method: clinical testing. Allele origin: germline. Inheritance: Autosomal dominant inheritance. Affected: yes.
Comment: The missense variant c.1003A>G (p.Ile335Val) in SLC1A2 gene has not been reported previously as a pathogenic variant nor as a benign variant, to our knowledge. The p.Ile335Val variant is novel (not in any individuals) in gnomAD Exomes and 1000 Genomes. The amino acid Ile at position 335 is changed to a Val changing protein sequence and it might alter its composition and physico-chemical properties. The amino acid change p.Ile335Val in SLC1A2 is predicted as conserved by GERP++ and PhyloP across 100 vertebrates. For these reasons, this variant has been classified as Variant of Uncertain Significance (VUS).